The following is an entry in ClinVar:

ClinVar aggregate classification (germline): Uncertain significance (1 of 4 stars; one submission).

Conditions:
Retinoblastoma (RB1). Also called: RETINOBLASTOMA, SOMATIC. Identifiers: Orphanet 790, MedGen C0035335, MeSH D012175, MONDO:0008380, OMIM 180200, HP:0009919. Disease mechanism: loss of function. Inheritance: Both sporadic and heritable forms are tested..

Submission:

Labcorp Genetics (formerly Invitae), Labcorp
Classification: Uncertain significance for Retinoblastoma. Last evaluated: 2025-05-14. Review status: criteria provided, single submitter. Criteria: Invitae Variant Classification Sherloc (09022015). Collection method: clinical testing. Allele origin: germline.
Comment: This sequence change replaces proline, which is neutral and non-polar, with leucine, which is neutral and non-polar, at codon 515 of the RB1 protein (p.Pro515Leu). This variant is not present in population databases (gnomAD no frequency). This variant has not been reported in the literature in individuals affected with RB1-related conditions. Invitae Evidence Modeling of protein sequence and biophysical properties (such as structural, functional, and spatial information, amino acid conservation, physicochemical variation, residue mobility, and thermodynamic stability) indicates that this missense variant is expected to disrupt RB1 protein function with a positive predictive value of 80%. In summary, the available evidence is currently insufficient to determine the role of this variant in disease. Therefore, it has been classified as a Variant of Uncertain Significance.

NM_000321.3(RB1):c.1544C>T (p.Pro515Leu)

Gene: RB1 (RB transcriptional corepressor 1; plus strand). Cytogenetic location: 13q14.2.
Variant type: single nucleotide variant.
Coding change: c.1544C>T on transcript NM_000321.3 (MANE Select); coding-DNA position 1544, C replaced by T.
Protein change: p.Pro515Leu; replaces proline 515 with leucine.
Molecular consequence: missense variant.
Genome position (GRCh38, 1-based): chr13:48,381,292, C>T. VCF-style: chr13-48381292-C-T. GRCh37 (hg19) VCF-style: chr13-48955428-C-T.
Other names: c.1544C>T, p.Pro515Leu (NM_001407165.1, NM_001407166.1); short protein forms P515L.
Identifiers: ClinVar variation 4748126 (VCV004748126.1).